The following is an entry in ClinVar:

ClinVar aggregate classification (germline): Uncertain significance. Review status: criteria provided, multiple submitters, no conflicts (2 of 4 stars). 3 submissions from 3 submitters: Uncertain significance (3). Last evaluated 2023-11-20.

Conditions:
Pheochromocytoma/paraganglioma syndrome 5. Also called: Paragangliomas 5; SDHA-Related Hereditary Paraganglioma-Pheochromocytoma Syndrome. Identifiers: Orphanet 29072, MedGen C3279992, MONDO:0013602, OMIM 614165.
Mitochondrial complex II deficiency, nuclear type 1. Also called: SUCCINATE CoQ REDUCTASE DEFICIENCY. Identifiers: Orphanet 3208, MedGen C5700310, MONDO:0100294, OMIM 252011.
Hereditary cancer-predisposing syndrome. Also called: Tumor predisposition; Hereditary neoplastic syndrome; Neoplastic Syndromes, Hereditary; Hereditary Cancer Syndrome. Identifiers: Orphanet 140162, MedGen C0027672, MeSH D009386, MONDO:0015356.

Allele frequency attached by ClinVar (database versions not stated): gnomAD exomes below 0.00001; TOPMed below 0.00001.

Submissions (3):

Ambry Genetics
Classification: Uncertain significance for Hereditary cancer-predisposing syndrome. Last evaluated: 2023-11-20. Review status: criteria provided, single submitter. Criteria: Ambry Variant Classification Scheme 2023. Collection method: clinical testing. Allele origin: germline.
Comment: The p.F123L variant (also known as c.369C>G), located in coding exon 4 of the SDHA gene, results from a C to G substitution at nucleotide position 369. The phenylalanine at codon 123 is replaced by leucine, an amino acid with highly similar properties. This amino acid position is highly conserved in available vertebrate species. In addition, this alteration is predicted to be deleterious by in silico analysis. Since supporting evidence is limited at this time, the clinical significance of this alteration remains unclear.

GeneDx
Classification: Uncertain significance. Last evaluated: 2023-10-26. Review status: criteria provided, single submitter. Criteria: GeneDx Variant Classification Process June 2021. Collection method: clinical testing. Allele origin: germline. Affected: yes.
Comment: Not observed at significant frequency in large population cohorts (gnomAD); In silico analysis supports that this missense variant does not alter protein structure/function; Has not been previously published as pathogenic or benign to our knowledge

Labcorp Genetics (formerly Invitae), Labcorp
Classification: Uncertain significance for Pheochromocytoma/paraganglioma syndrome 5; Mitochondrial complex II deficiency, nuclear type 1. Last evaluated: 2022-11-22. Review status: criteria provided, single submitter. Criteria: Invitae Variant Classification Sherloc (09022015). Collection method: clinical testing. Allele origin: germline.
Comment: This variant has not been reported in the literature in individuals affected with SDHA-related conditions. In summary, the available evidence is currently insufficient to determine the role of this variant in disease. Therefore, it has been classified as a Variant of Uncertain Significance. Advanced modeling of protein sequence and biophysical properties (such as structural, functional, and spatial information, amino acid conservation, physicochemical variation, residue mobility, and thermodynamic stability) performed at Invitae indicates that this missense variant is not expected to disrupt SDHA protein function. ClinVar contains an entry for this variant (Variation ID: 824090). This variant is not present in population databases (gnomAD no frequency). This sequence change replaces phenylalanine, which is neutral and non-polar, with leucine, which is neutral and non-polar, at codon 123 of the SDHA protein (p.Phe123Leu).

NM_004168.4(SDHA):c.369C>G (p.Phe123Leu)

Gene: SDHA (succinate dehydrogenase complex flavoprotein subunit A; plus strand). Cytogenetic location: 5p15.33.
Variant type: single nucleotide variant.
Coding change: c.369C>G on transcript NM_004168.4 (MANE Select); coding-DNA position 369, C replaced by G.
Protein change: p.Phe123Leu; replaces phenylalanine 123 with leucine.
Molecular consequence: missense variant. On other transcripts: intron variant (1).
Genome position (GRCh38, 1-based): chr5:225,475, C>G. VCF-style: chr5-225475-C-G. GRCh37 (hg19) VCF-style: chr5-225590-C-G.
Other names: c.369C>G, p.Phe123Leu (NM_001330758.2); c.313-408C>G (NM_001294332.2); short protein forms F123L.
Identifiers: ClinVar variation 824090 (VCV000824090.13), dbSNP rs1579384137, ClinGen allele CA359009348.